The following is an entry in ClinVar:

ClinVar aggregate classification (germline): Conflicting classifications of pathogenicity. Review status: criteria provided, conflicting classifications (1 of 4 stars). 8 submissions from 8 submitters: Uncertain significance (3); Benign (1); Likely benign (4). Last evaluated 2025-12-03.

Conditions:
Tuberous sclerosis syndrome (TSC). Also called: Tuberous Sclerosis Complex; Tuberous sclerosis. Identifiers: Orphanet 805, MedGen C0041341, MONDO:0001734.
Hereditary cancer-predisposing syndrome. Also called: Neoplastic Syndromes, Hereditary; Hereditary neoplastic syndrome; Tumor predisposition; Hereditary Cancer Syndrome. Identifiers: Orphanet 140162, MedGen C0027672, MeSH D009386, MONDO:0015356.
Isolated focal cortical dysplasia type II (FCORD2). Also called: CORTICAL DYSPLASIA OF TAYLOR; Focal cortical dysplasia type II. Identifiers: Orphanet 268994, MedGen C1846385, MONDO:0011818, OMIM 607341, HP:0032051.
Lymphangiomyomatosis (LAM). Also called: Lymphangioleiomyomatosis; Lymphangioleiomyomatosis, somatic. Identifiers: Orphanet 538, MedGen C0751674, MONDO:0011705, OMIM 606690.
Tuberous sclerosis 2 (TSC2). Identifiers: Orphanet 805, MedGen C1860707, MONDO:0013199, OMIM 613254.

Allele frequency attached by ClinVar (database versions not stated): gnomAD exomes 0.00002; ExAC 0.00003; TOPMed 0.00003; ESP Exome Variant Server 0.00031.
gnomAD v4.1: 4 of 1,612,838 alleles (0.00025%); highest among the groups gnomAD compares: African/African-American, 0.004%; no homozygotes.

Submissions (8):

Labcorp Genetics (formerly Invitae), Labcorp
Classification: Benign for Tuberous sclerosis 2. Last evaluated: 2025-12-03. Review status: criteria provided, single submitter. Criteria: Invitae Variant Classification Sherloc (09022015). Collection method: clinical testing. Allele origin: germline.

Myriad Genetics, Inc.
Classification: Likely benign for Tuberous sclerosis 2. Last evaluated: 2024-08-14. Review status: criteria provided, single submitter. Criteria: Myriad Autosomal Dominant, Autosomal Recessive and X-Linked Classification Criteria (2023). Collection method: clinical testing. Allele origin: unknown.
Comment: This variant is considered likely benign. This variant has been observed at a population frequency that is significantly greater than expected given the associated disease prevalence and penetrance.

Fulgent Genetics
Classification: Uncertain significance for Lymphangiomyomatosis; Isolated focal cortical dysplasia type II; Tuberous sclerosis 2. Last evaluated: 2024-04-14. Review status: criteria provided, single submitter. Criteria: ACMG Guidelines, 2015. Collection method: clinical testing. Allele origin: germline.

All of Us Research Program, National Institutes of Health
Classification: Uncertain significance for Tuberous sclerosis syndrome. Last evaluated: 2023-12-01. Review status: criteria provided, single submitter. Criteria: ACMG Guidelines, 2015. Collection method: clinical testing. Allele origin: germline. Inheritance: Autosomal dominant inheritance. Observed: 1 variant allele, 1 heterozygote.
Comment: This study involves interpretation of variants in research participants for the purpose of population health screening. Participant phenotype was not available at the time of variant classification. Additional details can be found in publication PMID: 35346344, PMCID: PMC8962531

Sema4
Classification: Uncertain significance for Hereditary cancer-predisposing syndrome. Last evaluated: 2022-02-05. Review status: criteria provided, single submitter. Criteria: Sema4 Curation Guidelines. Collection method: curation. Allele origin: germline.
Comment: The TSC2 c.2996G>A (p.S999N) variant has not been reported in the literature to our knowledge. It was observed in 4/16190 chromosomes of the African/African American subpopulation in the large and broad cohorts of the Genome Aggregation Database (PMID: 32461654). The variant has been reported in ClinVar (Variation ID 664836). Functional studies have not been performed, and in silico predictions of the variant's effect on protein function are inconclusive. There is no indication that this variant causes disease, but the evidence is insufficient currently to prove that conclusively. Thus, the clinical significance of this variant is currently uncertain.

Ambry Genetics
Classification: Likely benign for Hereditary cancer-predisposing syndrome. Last evaluated: 2021-12-29. Review status: criteria provided, single submitter. Criteria: Ambry Variant Classification Scheme 2023. Collection method: clinical testing. Allele origin: germline.

Genome-Nilou Lab
Classification: Likely benign for Tuberous sclerosis 2. Last evaluated: 2021-11-07. Review status: criteria provided, single submitter. Criteria: ACMG Guidelines, 2015. Collection method: clinical testing. Allele origin: germline. Affected: no.

GeneDx
Classification: Likely benign. Last evaluated: 2020-09-21. Review status: criteria provided, single submitter. Criteria: GeneDx Variant Classification Process June 2021. Collection method: clinical testing. Allele origin: germline. Affected: yes.

NM_000548.5(TSC2):c.2996G>A (p.Ser999Asn)

Gene: TSC2 (TSC complex subunit 2; plus strand). Cytogenetic location: 16p13.3.
Variant type: single nucleotide variant.
Coding change: c.2996G>A on transcript NM_000548.5 (MANE Select); coding-DNA position 2996, G replaced by A.
Protein change: p.Ser999Asn; replaces serine 999 with asparagine.
Molecular consequence: missense variant.
Genome position (GRCh38, 1-based): chr16:2,079,061, G>A. VCF-style: chr16-2079061-G-A. GRCh37 (hg19) VCF-style: chr16-2129062-G-A.
Other names: c.2864G>A, p.Ser955Asn (NM_001077183.3, NM_001370404.1); c.2996G>A, p.Ser999Asn (NM_001114382.3); c.2756G>A, p.Ser919Asn (NM_001318827.2); c.2720G>A, p.Ser907Asn (NM_001318829.2); c.2264G>A, p.Ser755Asn (NM_001318831.2); c.2897G>A, p.Ser966Asn (NM_001318832.2); c.2867G>A, p.Ser956Asn (NM_001363528.2, NM_001370405.1, NM_021055.3); short protein forms S955N, S907N, S919N, S956N, S966N, S999N, S755N.
Identifiers: ClinVar variation 664836 (VCV000664836.21), dbSNP rs149808366, ClinGen allele CA043671.